The following is an entry in ClinVar:

NM_000321.3(RB1):c.607G>A (p.Gly203Arg)

Gene: RB1 (RB transcriptional corepressor 1; plus strand). Cytogenetic location: 13q14.2.
Variant type: single nucleotide variant.
Coding change: c.607G>A on transcript NM_000321.3 (MANE Select); coding-DNA position 607, G replaced by A.
Protein change: p.Gly203Arg; replaces glycine 203 with arginine.
Molecular consequence: missense variant.
Genome position (GRCh38, 1-based): chr13:48,349,023, G>A. VCF-style: chr13-48349023-G-A. GRCh37 (hg19) VCF-style: chr13-48923159-G-A.
Other names: c.607G>A (NM_000321.2); short protein forms G203R.
Identifiers: ClinVar variation 1466305 (VCV001466305.7), dbSNP rs1012377281, ClinGen allele CA388157019.
Genomic context (GRCh38, chr13:48,349,023, plus strand): 5'-ACTGAAATAAATTCTGCATTGGTGCTAAAAGTTTCTTGGATCACATTTTTATTAGCTAAA[G>A]GTAAGTTCATTATATTTATTAAATGCTAATATTTCAAATGTAATAATTAAATTGGCATTC-3'
Protein context (NP_000312.2, residues 193-213): VSWITFLLAK[Gly203Arg]EVLQMEDDLV

ClinVar aggregate classification (germline): Uncertain significance. Review status: criteria provided, multiple submitters, no conflicts (2 of 4 stars). 2 submissions from 2 submitters: Uncertain significance (2). Last evaluated 2026-03-02.

Conditions:
Retinoblastoma (RB1). Also called: RETINOBLASTOMA, SOMATIC. Identifiers: Orphanet 790, MedGen C0035335, MeSH D012175, MONDO:0008380, OMIM 180200, HP:0009919. Disease mechanism: loss of function. Inheritance: Both sporadic and heritable forms are tested..
Hereditary cancer-predisposing syndrome. Also called: Neoplastic Syndromes, Hereditary; Tumor predisposition; Hereditary Cancer Syndrome; Hereditary neoplastic syndrome. Identifiers: Orphanet 140162, MedGen C0027672, MeSH D009386, MONDO:0015356.

Submissions (2):

Ambry Genetics
Classification: Uncertain significance for Hereditary cancer-predisposing syndrome. Last evaluated: 2026-03-02. Review status: criteria provided, single submitter. Criteria: Ambry Variant Classification Scheme 2023. Collection method: clinical testing. Allele origin: germline.
Comment: The c.607G>A variant (also known as p.G203R), located in coding exon 6 of the RB1 gene, results from a G to A substitution at nucleotide position 607. The amino acid change results in glycine to arginine at codon 203, an amino acid with dissimilar properties. However, this change occurs in the last base pair of coding exon 6, which makes it likely to have some effect on normal mRNA splicing. This nucleotide position is highly conserved in available vertebrate species. This amino acid position is highly conserved in available vertebrate species. In silico splice site analysis predicts that this alteration will not have any significant effect on splicing. In addition, this alteration is predicted to be deleterious by in silico analysis. Based on the available evidence, the clinical significance of this variant remains unclear.

Labcorp Genetics (formerly Invitae), Labcorp
Classification: Uncertain significance for Retinoblastoma. Last evaluated: 2022-08-27. Review status: criteria provided, single submitter. Criteria: Invitae Variant Classification Sherloc (09022015). Collection method: clinical testing. Allele origin: germline.
Comment: This variant has not been reported in the literature in individuals affected with RB1-related conditions. ClinVar contains an entry for this variant (Variation ID: 1466305). Algorithms developed to predict the effect of missense changes on protein structure and function (SIFT, PolyPhen-2, Align-GVGD) all suggest that this variant is likely to be disruptive. Variants that disrupt the consensus splice site are a relatively common cause of aberrant splicing (PMID: 17576681, 9536098). In summary, the available evidence is currently insufficient to determine the role of this variant in disease. Therefore, it has been classified as a Variant of Uncertain Significance. This variant is not present in population databases (gnomAD no frequency). This sequence change replaces glycine, which is neutral and non-polar, with arginine, which is basic and polar, at codon 203 of the RB1 protein (p.Gly203Arg). This variant also falls at the last nucleotide of exon 6, which is part of the consensus splice site for this exon.

Literature cited by the submitters: PubMed 17576681 (cited by Labcorp Genetics (formerly Invitae), Labcorp); PubMed 9536098 (cited by Labcorp Genetics (formerly Invitae), Labcorp).